The following is an entry in ClinVar:

ClinVar aggregate classification (germline): Uncertain significance (1 of 4 stars; one submission).

Conditions:
Pure or complex autosomal recessive spastic paraplegia. Identifiers: Orphanet 320346, MedGen C5679887, MONDO:0017915.

Allele frequency attached by ClinVar (database versions not stated): TOPMed 0.00002; ExAC 0.00003; gnomAD exomes 0.00003; gnomAD 0.00002.
gnomAD v4.1: 40 of 1,562,804 alleles (0.0026%); highest among the groups gnomAD compares: Non-Finnish European, 0.0035%; no homozygotes.

Submission:

Labcorp Genetics (formerly Invitae), Labcorp
Classification: Uncertain significance for Pure or complex autosomal recessive spastic paraplegia. Last evaluated: 2023-08-18. Review status: criteria provided, single submitter. Criteria: Invitae Variant Classification Sherloc (09022015). Collection method: clinical testing. Allele origin: germline.
Comment: This variant is present in population databases (rs778296485, gnomAD 0.008%). In summary, the available evidence is currently insufficient to determine the role of this variant in disease. Therefore, it has been classified as a Variant of Uncertain Significance. Experimental studies and prediction algorithms are not available or were not evaluated, and the functional significance of this variant is currently unknown. ClinVar contains an entry for this variant (Variation ID: 2059362). This variant has not been reported in the literature in individuals affected with ZFR-related conditions. This sequence change replaces serine, which is neutral and polar, with glycine, which is neutral and non-polar, at codon 34 of the ZFR protein (p.Ser34Gly).

NM_016107.5(ZFR):c.100A>G (p.Ser34Gly)

Gene: ZFR (zinc finger RNA binding protein; minus strand). Cytogenetic location: 5p13.3.
Variant type: single nucleotide variant.
Coding change: c.100A>G on transcript NM_016107.5 (MANE Select); coding-DNA position 100, A replaced by G.
Protein change: p.Ser34Gly; replaces serine 34 with glycine.
Molecular consequence: missense variant. On other transcripts: non-coding transcript variant (1).
Genome position (GRCh38, 1-based): chr5:32,444,266, T>C on the plus strand (A>G on the coding strand, the complement: ZFR is on the minus strand). VCF-style: chr5-32444266-T-C. GRCh37 (hg19) VCF-style: chr5-32444372-T-C.
Other names: short protein forms S34G.
Identifiers: ClinVar variation 2059362 (VCV002059362.4), dbSNP rs778296485, ClinGen allele CA3222128.